The following is an entry in ClinVar:

NM_004316.4(ASCL1):c.151CAG[15] (p.Gln62_Ala63insGlnGlnGln)

Genes: ASCL1 (achaete-scute family bHLH transcription factor 1; plus strand), PAH (phenylalanine hydroxylase; minus strand). Cytogenetic location: 12q23.2.
Variant type: Microsatellite.
Coding change: c.151CAG[15] on transcript NM_004316.4 (MANE Select); 15 copies in a row of the 3-base unit CAG starting at c.151; the reference has 12 copies in a row; three copies, 9 bases duplicated.
Protein change: p.Gln62_Ala63insGlnGlnGln.
Molecular consequence: inframe insertion. On other transcripts: 5 prime UTR variant (1).
Genome position (GRCh38, 1-based): chr12:102,958,422-102,958,430, CAGCAGCAG duplicated; duplicating any 9 consecutive bases within chr12:102,958,394-102,958,430 gives the same sequence; the position shown is the placement nearest the transcript's 3' end. VCF-style (leftmost placement, unchanged base first): chr12-102958393-C-CGCAGCAGCA. GRCh37 (hg19) VCF-style: chr12-103352171-C-CGCAGCAGCA.
Other names: p.Gln60_Gln62dup; c.-330TGC[15] (NM_001354304.2); c.178_186dupCAGCAGCAG (NM_004316.3).
Identifiers: ClinVar variation 162757 (VCV000162757.12), dbSNP rs3832799, ClinGen allele CA175264.

ClinVar aggregate classification (germline): Benign. Review status: criteria provided, multiple submitters, no conflicts (2 of 4 stars). 5 submissions from 5 submitters: Benign (3). 2 of the submissions do not count toward it. Last evaluated 2021-05-13.

Submissions (5):

GeneDx
Classification: Benign. Last evaluated: 2021-05-13. Review status: criteria provided, single submitter. Criteria: GeneDx Variant Classification Process June 2021. Collection method: clinical testing. Allele origin: germline. Affected: yes.
Comment: This variant is associated with the following publications: (PMID: 14566559, 16021468, 20097173)

Laboratory for Molecular Medicine, Mass General Brigham Personalized Medicine
Classification: Benign. Last evaluated: 2015-02-25. Review status: criteria provided, single submitter. Criteria: LMM Criteria. Collection method: clinical testing. Allele origin: germline. Observed: 2 variant alleles.
Comment: Gln51[15] in exon 1 of ASCL1: This variant is not expected to have clinical sign ificance because it has been reported in 19% (300/1604) of Japanese chromosomes (Ide 2005) and has been identified in 1.6% (5/304) of Caucasian control chromoso mes tested by our laboratory.

PreventionGenetics, part of Exact Sciences
Classification: Benign. Review status: criteria provided, single submitter. Criteria: ACMG Guidelines, 2015. Collection method: clinical testing. Allele origin: germline.

Clinical Genetics DNA and cytogenetics Diagnostics Lab, Erasmus MC, Erasmus Medical Center
Classification: Benign. Review status: no assertion criteria provided. Collection method: clinical testing. Allele origin: germline. Affected: yes. Study: VKGL Data-share Consensus. Not counted in ClinVar's aggregate classification.

Diagnostic Laboratory, Department of Genetics, University Medical Center Groningen
Classification: Benign. Review status: no assertion criteria provided. Collection method: clinical testing. Allele origin: germline. Affected: yes. Study: VKGL Data-share Consensus. Not counted in ClinVar's aggregate classification.

Literature cited by the submitters: PubMed 14566559 (cited by Laboratory for Molecular Medicine, Mass General Brigham Personalized Medicine); PubMed 16021468 (cited by Laboratory for Molecular Medicine, Mass General Brigham Personalized Medicine); PubMed 20097173 (cited by Laboratory for Molecular Medicine, Mass General Brigham Personalized Medicine).